The following is an entry in ClinVar:

ClinVar aggregate classification (germline): Pathogenic (1 of 4 stars; one submission).

Submission:

GeneDx
Classification: Pathogenic. Last evaluated: 2017-07-17. Review status: criteria provided, single submitter. Criteria: GeneDx Variant Classification (06012015). Collection method: clinical testing. Allele origin: germline. Affected: yes.
Comment: The S324P variant in the SLC2A1 gene has not been reported previously as a pathogenic variant nor as a benign variant, to our knowledge. The S324P variant is not observed in large population cohorts (Lek et al., 2016; 1000 Genomes Consortium et al., 2015; Exome Variant Server). The S324P variant is a non-conservative amino acid substitution, which is likely to impact secondary protein structure as these residues differ in polarity, charge, size and/or other properties. In addition, this substitution occurs at a position that is conserved across species, and in silico analysis predicts this variant is probably damaging to the protein structure/function. Missense variants at the same residue (S324L) and in a nearby residue (E329Q) have been reported in the Human Gene Mutation Database in association with glucose transporter type 1 deficiency syndrome (Stenson et al., 2014), supporting the functional importance of this region of the protein. We interpret S324P as a pathogenic variant.

NM_006516.4(SLC2A1):c.970T>C (p.Ser324Pro)

Gene: SLC2A1 (solute carrier family 2 member 1; minus strand). Cytogenetic location: 1p34.2.
Variant type: single nucleotide variant.
Coding change: c.970T>C on transcript NM_006516.4 (MANE Select); coding-DNA position 970, T replaced by C.
Protein change: p.Ser324Pro; replaces serine 324 with proline.
Molecular consequence: missense variant.
Genome position (GRCh38, 1-based): chr1:42,929,212, A>G on the plus strand (T>C on the coding strand, the complement: SLC2A1 is on the minus strand). VCF-style: chr1-42929212-A-G. GRCh37 (hg19) VCF-style: chr1-43394883-A-G.
Other names: short protein forms S324P.
Identifiers: ClinVar variation 450685 (VCV000450685.2), dbSNP rs1553156002, ClinGen allele CA339956285.